The following is an entry in ClinVar:

ClinVar aggregate classification (germline): Uncertain significance. Review status: criteria provided, multiple submitters, no conflicts (2 of 4 stars). 2 submissions from 2 submitters: Uncertain significance (2). Last evaluated 2025-03-11.

Conditions:
CEP290-related disorder. Also called: CEP290-related condition; CEP290-related disorders. Identifiers: MedGen CN239314.
Nephronophthisis. Also called: Juvenile Nephronophthisis. Identifiers: Orphanet 655, MedGen C0687120, MONDO:0019005, HP:0000090.
Meckel-Gruber syndrome. Also called: DYSENCEPHALIA SPLANCHNOCYSTICA; GRUBER SYNDROME; Dysencephalia splachnocystica. Identifiers: Orphanet 564, MedGen C0265215, MONDO:0018921.
Joubert syndrome. Also called: JOUBERT-BOLTSHAUSER SYNDROME; Familial aplasia of the vermis. Identifiers: Orphanet 475, MedGen C5979921, MONDO:0018772.

Allele frequency attached by ClinVar (database versions not stated): gnomAD exomes 0.00001; TOPMed 0.00014; gnomAD 0.00052.
gnomAD v4.1: 28 of 1,407,412 alleles (0.002%); highest among the groups gnomAD compares: Admixed American, 0.09%; no homozygotes.

Submissions (2):

PreventionGenetics, part of Exact Sciences
Classification: Uncertain significance for CEP290-related condition. Last evaluated: 2025-03-11. Review status: criteria provided, single submitter. Criteria: ACMG Guidelines, 2015. Collection method: clinical testing. Allele origin: germline.
Comment: The CEP290 c.854T>G variant is predicted to result in the amino acid substitution p.Val285Gly. To our knowledge, this variant has not been reported in the literature. This variant is reported in 0.085% of alleles in individuals of Latino descent in gnomAD. Although we suspect that this variant may be benign, at this time, the clinical significance of this variant is uncertain due to the absence of conclusive functional and genetic evidence.

Labcorp Genetics (formerly Invitae), Labcorp
Classification: Uncertain significance for Joubert syndrome; Meckel-Gruber syndrome; Nephronophthisis. Last evaluated: 2022-07-25. Review status: criteria provided, single submitter. Criteria: Invitae Variant Classification Sherloc (09022015). Collection method: clinical testing. Allele origin: germline.
Comment: This sequence change replaces valine, which is neutral and non-polar, with glycine, which is neutral and non-polar, at codon 285 of the CEP290 protein (p.Val285Gly). This variant is present in population databases (no rsID available, gnomAD 0.09%). This missense change has been observed in individual(s) with retinitis pigmentosa (Invitae). Algorithms developed to predict the effect of missense changes on protein structure and function are either unavailable or do not agree on the potential impact of this missense change (SIFT: "Deleterious"; PolyPhen-2: "Probably Damaging"; Align-GVGD: "Class C0"). In summary, the available evidence is currently insufficient to determine the role of this variant in disease. Therefore, it has been classified as a Variant of Uncertain Significance.

NM_025114.4(CEP290):c.854T>G (p.Val285Gly)

Gene: CEP290 (centrosomal protein 290; minus strand). Cytogenetic location: 12q21.32.
Variant type: single nucleotide variant.
Coding change: c.854T>G on transcript NM_025114.4 (MANE Select); coding-DNA position 854, T replaced by G.
Protein change: p.Val285Gly; replaces valine 285 with glycine.
Molecular consequence: missense variant.
Genome position (GRCh38, 1-based): chr12:88,129,034, A>C on the plus strand (T>G on the coding strand, the complement: CEP290 is on the minus strand). VCF-style: chr12-88129034-A-C. GRCh37 (hg19) VCF-style: chr12-88522811-A-C.
Other names: c.854T>G (NM_025114.3); short protein forms V285G.
Identifiers: ClinVar variation 2165096 (VCV002165096.2), dbSNP rs1307751555, ClinGen allele CA385984082.
Genomic context (GRCh38, chr12:88,129,034, plus strand): 5'-GCTACCATAATTGGATCATCTTCTTCATTTTTTGATTTCAGAAGATCTGTAAGCTCCTGC[A>C]CCTAAAAGACAAAGTTATTTCAAGAGTTGTTGCAAACTGATGTAACATATATTTACACCT-3'
Protein context (NP_079390.3, residues 275-295): KKENDHYQLQ[Val285Gly]QELTDLLKSK